The following is an entry in ClinVar:

NM_033305.3(VPS13A):c.622C>T (p.Arg208Ter)

Gene: VPS13A (vacuolar protein sorting 13 homolog A; plus strand). Cytogenetic location: 9q21.2.
Variant type: single nucleotide variant.
Coding change: c.622C>T on transcript NM_033305.3 (MANE Select); coding-DNA position 622, C replaced by T.
Protein change: p.Arg208Ter; replaces arginine 208 with a stop codon.
Molecular consequence: nonsense.
Genome position (GRCh38, 1-based): chr9:77,213,240, C>T. VCF-style: chr9-77213240-C-T. GRCh37 (hg19) VCF-style: chr9-79828156-C-T.
Other names: c.622C>T, p.Arg208Ter (NM_001018037.2, NM_001018038.3, NM_015186.4); short protein forms R208*.
Identifiers: ClinVar variation 4685 (VCV000004685.7), dbSNP rs119477053, ClinGen allele CA253247.
Genomic context (GRCh38, chr9:77,213,240, plus strand): 5'-GTATGATAAAAATTCTTCAAAGAAAATGAGACATCTAATAAATTTTATTTTCAGTTAATC[C>T]GATTGGATAACCTGTTTGCCTATTGGAATGTGAAGTCTCAGATGTTTTATCTTAGTGATT-3'

ClinVar aggregate classification (germline): Pathogenic. Review status: criteria provided, multiple submitters, no conflicts (2 of 4 stars). 3 submissions from 3 submitters: Pathogenic (2). 1 of the submissions does not count toward it. Last evaluated 2024-05-14.

Conditions:
VPS13A-related neurodegenerative disease. Also called: Choreaacanthocytosis; VPS13A Disease; LEVINE-CRITCHLEY SYNDROME; Choreoacanthocytosis; Chorea-acanthocytosis; ACANTHOCYTOSIS WITH NEUROLOGIC DISORDER. Identifiers: Orphanet 2388, MedGen C0393576, MONDO:0008695, OMIM 200150.

Allele frequency attached by ClinVar (database versions not stated): gnomAD exomes below 0.00001 and 0.00001; gnomAD 0.00001; ExAC 0.00002.
gnomAD v4.1: 6 of 1,612,950 alleles (0.00037%); highest among the groups gnomAD compares: Admixed American, 0.0017%; no homozygotes.

Submissions (3):

Myriad Genetics, Inc.
Classification: Pathogenic for VPS13A-related neurodegenerative disease. Last evaluated: 2024-05-14. Review status: criteria provided, single submitter. Criteria: Myriad Autosomal Dominant, Autosomal Recessive and X-Linked Classification Criteria (2023). Collection method: clinical testing. Allele origin: unknown.
Comment: NM_033305.2(VPS13A):c.622C>T(R208*) is expected to be pathogenic in the context of VPS13A disease. This variant is predicted to lead to an abnormal or absent protein product due to the creation of a premature termination codon in VPS13A, a gene where loss-of-function variants are known to be pathogenic. Please note: this variant was assessed in the context of healthy population screening.

Labcorp Genetics (formerly Invitae), Labcorp
Classification: Pathogenic. Last evaluated: 2022-02-15. Review status: criteria provided, single submitter. Criteria: Invitae Variant Classification Sherloc (09022015). Collection method: clinical testing. Allele origin: germline.
Comment: This sequence change creates a premature translational stop signal (p.Arg208*) in the VPS13A gene. It is expected to result in an absent or disrupted protein product. Loss-of-function variants in VPS13A are known to be pathogenic (PMID: 12404112, 21598378). This variant is present in population databases (rs119477053, gnomAD 0.003%). This premature translational stop signal has been observed in individual(s) with choreo-acanthocytosis (PMID: 11381253). ClinVar contains an entry for this variant (Variation ID: 4685). For these reasons, this variant has been classified as Pathogenic.

OMIM
Classification: Pathogenic for CHOREOACANTHOCYTOSIS. Last evaluated: 2002-11-01. Review status: no assertion criteria provided. Collection method: literature only. Allele origin: germline. Not counted in ClinVar's aggregate classification.

Literature cited by the submitters: PubMed 12404112 (cited by Labcorp Genetics (formerly Invitae), Labcorp and OMIM); PubMed 21598378 (cited by Labcorp Genetics (formerly Invitae), Labcorp); PubMed 11381253 (cited by Labcorp Genetics (formerly Invitae), Labcorp and OMIM).